The following is an entry in ClinVar:

ClinVar aggregate classification (germline): Uncertain significance (1 of 4 stars; one submission).

Conditions:
Inborn genetic diseases. Identifiers: MedGen C0950123, MeSH D030342.

Submission:

Ambry Genetics
Classification: Uncertain significance for Inborn genetic diseases. Last evaluated: 2025-02-27. Review status: criteria provided, single submitter. Criteria: Ambry Variant Classification Scheme 2023. Collection method: clinical testing. Allele origin: germline.
Comment: The p.L681V variant (also known as c.2041C>G), located in coding exon 8 of the MECOM gene, results from a C to G substitution at nucleotide position 2041. The leucine at codon 681 is replaced by valine, an amino acid with highly similar properties. This amino acid position is conserved. In addition, this alteration is predicted to be tolerated by in silico analysis. Based on the available evidence, the clinical significance of this variant remains unclear.

NM_004991.4(MECOM):c.2041C>G (p.Leu681Val)

Gene: MECOM (MDS1 and EVI1 complex locus; minus strand). Cytogenetic location: 3q26.2.
Variant type: single nucleotide variant.
Coding change: c.2041C>G on transcript NM_004991.4 (MANE Select); coding-DNA position 2041, C replaced by G.
Protein change: p.Leu681Val; replaces leucine 681 with valine.
Molecular consequence: missense variant. On other transcripts: intron variant (2).
Genome position (GRCh38, 1-based): chr3:169,115,831, G>C on the plus strand (C>G on the coding strand, the complement: MECOM is on the minus strand). VCF-style: chr3-169115831-G-C. GRCh37 (hg19) VCF-style: chr3-168833619-G-C.
Other names: c.1672C>G, p.Leu558Val (NM_001105077.4); c.1477C>G, p.Leu493Val (NM_001105078.4, NM_001164000.2, NM_001205194.2 and 4 more transcripts); c.1480C>G, p.Leu494Val (NM_001163999.2, NM_001366467.2, NM_001366468.2 and 1 more transcripts); c.2041C>G, p.Leu681Val (NM_001366466.2); c.1133-64C>G (NM_001366473.2); c.569-64C>G (NM_001366474.2); short protein forms L558V, L493V, L494V, L681V.
Identifiers: ClinVar variation 3871862 (VCV003871862.1).